The following is an entry in ClinVar:

NM_006929.5(SKIC2):c.1829G>C (p.Arg610Pro)

Gene: SKIC2 (SKI2 subunit of superkiller complex; plus strand). Cytogenetic location: 6p21.33.
Variant type: single nucleotide variant.
Coding change: c.1829G>C on transcript NM_006929.5 (MANE Select); coding-DNA position 1829, G replaced by C.
Protein change: p.Arg610Pro; replaces arginine 610 with proline.
Molecular consequence: missense variant.
Genome position (GRCh38, 1-based): chr6:31,964,094, G>C. VCF-style: chr6-31964094-G-C. GRCh37 (hg19) VCF-style: chr6-31931871-G-C.
Other names: short protein forms R610P.
Identifiers: ClinVar variation 2130185 (VCV002130185.4), dbSNP rs773282359, ClinGen allele CA363463073.

ClinVar aggregate classification (germline): Uncertain significance (1 of 4 stars; one submission).

gnomAD v4.1: 1 of 1,612,444 alleles (0.000062%); highest among the groups gnomAD compares: Non-Finnish European, 0.000085%; no homozygotes.

Submission:

Labcorp Genetics (formerly Invitae), Labcorp
Classification: Uncertain significance. Last evaluated: 2023-10-03. Review status: criteria provided, single submitter. Criteria: Invitae Variant Classification Sherloc (09022015). Collection method: clinical testing. Allele origin: germline.
Comment: This sequence change replaces arginine, which is basic and polar, with proline, which is neutral and non-polar, at codon 610 of the SKIV2L protein (p.Arg610Pro). This variant is not present in population databases (gnomAD no frequency). This variant has not been reported in the literature in individuals affected with SKIV2L-related conditions. ClinVar contains an entry for this variant (Variation ID: 2130185). An algorithm developed to predict the effect of missense changes on protein structure and function (PolyPhen-2) suggests that this variant is likely to be disruptive. In summary, the available evidence is currently insufficient to determine the role of this variant in disease. Therefore, it has been classified as a Variant of Uncertain Significance.